The following is an entry in ClinVar:

ClinVar aggregate classification (germline): Pathogenic (1 of 4 stars; one submission).

Conditions:
Joubert syndrome 14 (JBTS14). Identifiers: MedGen C3280766, MONDO:0013745, OMIM 614424.

Allele frequency attached by ClinVar (database versions not stated): gnomAD exomes below 0.00001.
gnomAD v4.1: 1 of 1,521,970 alleles (0.000066%); highest among the groups gnomAD compares: Non-Finnish European, 0.000088%; no homozygotes.

Submission:

Rady Children's Institute for Genomic Medicine, Rady Children's Hospital San Diego
Classification: Pathogenic for JOUBERT SYNDROME 14. Last evaluated: 2018-05-04. Review status: criteria provided, single submitter. Criteria: ACMG Guidelines, 2015. Collection method: clinical testing. Allele origin: germline. Affected: yes. Observed: 1 variant allele.
Comment: This variant affects the canonical splice acceptor site of intron 5 and is therefore predicted to interfere with splicing and result in loss of normal protein function. This variant has not been previously reported or functionally characterized in the literature to our knowledge. It is absent from the ExAC and gnomAD population databases and thus is presumed to be rare. Based on the available evidence, the c.275-2A>G variant is classified as pathogenic.

NM_001044385.3(TMEM237):c.275-2A>G

Gene: TMEM237 (transmembrane protein 237; minus strand). Cytogenetic location: 2q33.1.
Variant type: single nucleotide variant.
Coding change: c.275-2A>G on transcript NM_001044385.3 (MANE Select); the canonical splice acceptor site of the intron before coding-DNA position 275, A replaced by G.
Molecular consequence: splice acceptor variant.
Genome position (GRCh38, 1-based): chr2:201,633,433, T>C on the plus strand (A>G on the coding strand, the complement: TMEM237 is on the minus strand). VCF-style: chr2-201633433-T-C. GRCh37 (hg19) VCF-style: chr2-202498156-T-C.
Other names: c.251-2A>G (NM_152388.4).
Identifiers: ClinVar variation 692024 (VCV000692024.1), dbSNP rs1574582671, ClinGen allele CA350314387.